The following is an entry in ClinVar:

NM_000057.4(BLM):c.2281_2291del (p.Lys761fs)

Gene: BLM (BLM RecQ like helicase; plus strand). Cytogenetic location: 15q26.1.
Variant type: Deletion.
Coding change: c.2281_2291del on transcript NM_000057.4 (MANE Select); coding-DNA positions 2281 to 2291, 11 bases deleted (AAACTTCTATA).
Protein change: p.Lys761fs; shifts the reading frame from lysine 761.
Molecular consequence: frameshift variant.
Genome position (GRCh38, 1-based): chr15:90,766,997-90,767,007, AAACTTCTATA deleted; deleting any 11 consecutive bases within chr15:90,766,994-90,767,007 gives the same sequence; the c. name uses the placement nearest the transcript's 3' end. VCF-style (leftmost placement, unchanged base first): chr15-90766993-CATAAAACTTCT-C. GRCh37 (hg19) VCF-style: chr15-91310223-CATAAAACTTCT-C.
Other names: c.2281_2291del, p.Lys761fs (NM_001287246.2, NM_001287247.2); c.1156_1166del, p.Lys386fs (NM_001287248.2); short protein forms K386fs, K761fs.
Identifiers: ClinVar variation 1075440 (VCV001075440.8), dbSNP rs2151163995, ClinGen allele CA2499223153.

ClinVar aggregate classification (germline): Pathogenic (1 of 4 stars; one submission).

Conditions:
Bloom syndrome (BLM). Also called: Bloom-Torre-Machacek syndrome. Identifiers: Orphanet 125, MedGen C0005859, MONDO:0008876, OMIM 210900.

Submission:

Labcorp Genetics (formerly Invitae), Labcorp
Classification: Pathogenic for Bloom syndrome. Last evaluated: 2025-08-16. Review status: criteria provided, single submitter. Criteria: Invitae Variant Classification Sherloc (09022015). Collection method: clinical testing. Allele origin: germline.
Comment: This sequence change creates a premature translational stop signal (p.Lys761Cysfs*10) in the BLM gene. It is expected to result in an absent or disrupted protein product. Loss-of-function variants in BLM are known to be pathogenic (PMID: 17407155). This variant is not present in population databases (gnomAD no frequency). This variant has not been reported in the literature in individuals affected with BLM-related conditions. ClinVar contains an entry for this variant (Variation ID: 1075440). For these reasons, this variant has been classified as Pathogenic.

Literature cited by the submitters: PubMed 17407155.